The following is an entry in ClinVar:

ClinVar aggregate classification (germline): Benign. Review status: criteria provided, multiple submitters, no conflicts (2 of 4 stars). 2 submissions from 2 submitters: Benign (2). Last evaluated 2018-06-16.

Allele frequency attached by ClinVar (database versions not stated): gnomAD 0.03407 and 0.03547; TOPMed 0.03519; gnomAD exomes 0.04690; 1000 Genomes Project 30x 0.04856; 1000 Genomes Project 0.05132.
gnomAD v4.1: 34,805 of 783,364 alleles (4.4%); highest among the groups gnomAD compares: East Asian, 14%; 1,159 homozygotes.

Submissions (2):

GeneDx
Classification: Benign. Last evaluated: 2018-06-16. Review status: criteria provided, single submitter. Criteria: GeneDx Variant Classification (06012015). Collection method: clinical testing. Allele origin: germline. Affected: yes.
Comment: This variant is considered likely benign or benign based on one or more of the following criteria: it is a conservative change, it occurs at a poorly conserved position in the protein, it is predicted to be benign by multiple in silico algorithms, and/or has population frequency not consistent with disease.

Breakthrough Genomics
Classification: Benign. Review status: criteria provided, single submitter. Criteria: ACMG Guidelines, 2015. Collection method: not provided. Allele origin: germline. Inheritance: Autosomal recessive inheritance. Affected: yes.

NM_005045.4(RELN):c.1554+93G>C

Gene: RELN (reelin; minus strand). Cytogenetic location: 7q22.1.
Variant type: single nucleotide variant.
Coding change: c.1554+93G>C on transcript NM_005045.4 (MANE Select); 93 bases into the intron after coding-DNA position 1554, G replaced by C.
Molecular consequence: intron variant.
Genome position (GRCh38, 1-based): chr7:103,654,000, C>G on the plus strand (G>C on the coding strand, the complement: RELN is on the minus strand). VCF-style: chr7-103654000-C-G. GRCh37 (hg19) VCF-style: chr7-103294447-C-G.
Other names: c.1554+93G>C (NM_173054.3).
Identifiers: ClinVar variation 669118 (VCV000669118.2), dbSNP rs2075042, ClinGen allele CA12652709.